The following is an entry in ClinVar:

ClinVar aggregate classification (germline): Uncertain significance (1 of 4 stars; one submission).

Conditions:
Hereditary spastic paraplegia 4. Also called: Spastic Paraplegia 4; Spastic paraplegia 4, autosomal dominant; Familial spastic paraplegia autosomal dominant 2. Identifiers: Orphanet 100985, MedGen C1866855, MONDO:0008438, OMIM 182601.

Allele frequency attached by ClinVar (database versions not stated): gnomAD 0.00001; gnomAD exomes 0.00002.
gnomAD v4.1: 38 of 1,613,636 alleles (0.0024%); highest among the groups gnomAD compares: Non-Finnish European, 0.003%; no homozygotes.

Submission:

Labcorp Genetics (formerly Invitae), Labcorp
Classification: Uncertain significance for Hereditary spastic paraplegia 4. Last evaluated: 2024-10-30. Review status: criteria provided, single submitter. Criteria: Invitae Variant Classification Sherloc (09022015). Collection method: clinical testing. Allele origin: germline.
Comment: This sequence change replaces serine, which is neutral and polar, with glycine, which is neutral and non-polar, at codon 229 of the SPAST protein (p.Ser229Gly). This variant is present in population databases (no rsID available, gnomAD 0.002%). This missense change has been observed in individual(s) with hereditary spastic paraplegia 4 (PMID: 20214791). ClinVar contains an entry for this variant (Variation ID: 2718121). An algorithm developed to predict the effect of missense changes on protein structure and function (PolyPhen-2) suggests that this variant is likely to be tolerated. Algorithms developed to predict the effect of sequence changes on RNA splicing suggest that this variant may create or strengthen a splice site. In summary, the available evidence is currently insufficient to determine the role of this variant in disease. Therefore, it has been classified as a Variant of Uncertain Significance.

Literature cited by the submitters: PubMed 20214791.

NM_014946.4(SPAST):c.685A>G (p.Ser229Gly)

Gene: SPAST (spastin; plus strand). Cytogenetic location: 2p22.3.
Variant type: single nucleotide variant.
Coding change: c.685A>G on transcript NM_014946.4 (MANE Select); coding-DNA position 685, A replaced by G.
Protein change: p.Ser229Gly; replaces serine 229 with glycine.
Molecular consequence: missense variant.
Genome position (GRCh38, 1-based): chr2:32,114,640, A>G. VCF-style: chr2-32114640-A-G. GRCh37 (hg19) VCF-style: chr2-32339709-A-G.
Other names: c.682A>G, p.Ser228Gly (NM_001363823.2); c.586A>G, p.Ser196Gly (NM_001363875.2); c.589A>G, p.Ser197Gly (NM_001377959.1, NM_199436.2); short protein forms S228G, S229G, S196G, S197G.
Identifiers: ClinVar variation 2718121 (VCV002718121.3), dbSNP rs1182763020, ClinGen allele CA346498223.